The following is an entry in ClinVar:

ClinVar aggregate classification (germline): Likely benign (1 of 4 stars; one submission).

Allele frequency attached by ClinVar (database versions not stated): ExAC 0.00017; ESP Exome Variant Server 0.00023; gnomAD 0.00025 and 0.00027; TOPMed 0.00027.
gnomAD v4.1: 493 of 1,613,790 alleles (0.031%); highest among the groups gnomAD compares: Non-Finnish European, 0.04%; no homozygotes.

Submission:

CeGaT Center for Human Genetics Tuebingen
Classification: Likely benign. Last evaluated: 2022-04-01. Review status: criteria provided, single submitter. Criteria: CeGaT Center For Human Genetics Tuebingen Variant Classification Criteria Version 2. Collection method: clinical testing. Allele origin: germline. Affected: yes. Observed: 1 variant allele.
Comment: MYOD1: BP4

NM_002478.5(MYOD1):c.122G>T (p.Arg41Leu)

Gene: MYOD1 (myogenic differentiation 1; plus strand). Cytogenetic location: 11p15.1.
Variant type: single nucleotide variant.
Coding change: c.122G>T on transcript NM_002478.5 (MANE Select); coding-DNA position 122, G replaced by T.
Protein change: p.Arg41Leu; replaces arginine 41 with leucine.
Molecular consequence: missense variant.
Genome position (GRCh38, 1-based): chr11:17,719,904, G>T. VCF-style: chr11-17719904-G-T. GRCh37 (hg19) VCF-style: chr11-17741451-G-T.
Other names: short protein forms R41L.
Identifiers: ClinVar variation 1694633 (VCV001694633.31), dbSNP rs201235770, ClinGen allele CA5906385.